The following is an entry in ClinVar:

NM_003672.4(CDC14A):c.822C>T (p.Ile274=)

Gene: CDC14A (cell division cycle 14A; plus strand). Cytogenetic location: 1p21.2.
Variant type: single nucleotide variant.
Coding change: c.822C>T on transcript NM_003672.4 (MANE Select); coding-DNA position 822, C replaced by T.
Protein change: p.Ile274=; no amino-acid change (isoleucine 274 retained).
Molecular consequence: synonymous variant. On other transcripts: 5 prime UTR variant (1).
Genome position (GRCh38, 1-based): chr1:100,462,865, C>T. VCF-style: chr1-100462865-C-T. GRCh37 (hg19) VCF-style: chr1-100928421-C-T.
Other names: c.822C>T, p.Ile274= (NM_001319210.2, NM_033312.3, NM_033313.3); c.648C>T, p.Ile216= (NM_001319211.2); c.-58C>T (NM_001319212.2); c.822C>T (NM_033312.2).
Identifiers: ClinVar variation 929950 (VCV000929950.16), dbSNP rs74667145, ClinGen allele CA970697.
Genomic context (GRCh38, chr1:100,462,865, plus strand): 5'-ACCCAGTGACAACATCGTGCGAAGGTTCCTGAACATCTGTGAGAACACCGAAGGGGCCAT[C>T]GCCGTTCACTGCAAAGGTGTGTGCAAGGCCTCGGTGGTGGTGGCTGTGCTTATCGAAGGG-3'
Protein context (NP_003663.2, residues 264-284): LNICENTEGA[Ile274=]AVHCKAGLGR

ClinVar aggregate classification (germline): Benign/Likely benign. Review status: criteria provided, multiple submitters, no conflicts (2 of 4 stars). 5 submissions from 5 submitters: Benign (3); Likely benign (1). 1 of the submissions does not count toward it. Last evaluated 2025-06-04.

Conditions:
CDC14A-related disorder. Also called: CDC14A-related condition.

Allele frequency attached by ClinVar (database versions not stated): gnomAD exomes 0.00016 and 0.00038; ExAC 0.00058; gnomAD 0.00151 and 0.00158; TOPMed 0.00153; ESP Exome Variant Server 0.00154; 1000 Genomes Project 0.00180; 1000 Genomes Project 30x 0.00187.
gnomAD v4.1: 468 of 1,613,654 alleles (0.029%); highest among the groups gnomAD compares: African/African-American, 0.53%; 1 homozygote.

Submissions (5):

Labcorp Genetics (formerly Invitae), Labcorp
Classification: Benign. Last evaluated: 2025-06-04. Review status: criteria provided, single submitter. Criteria: Invitae Variant Classification Sherloc (09022015). Collection method: clinical testing. Allele origin: germline.

Blueprint Genetics
Classification: Likely benign. Last evaluated: 2024-02-19. Review status: criteria provided, single submitter. Criteria: ACMG Guidelines, 2015. Collection method: clinical testing. Allele origin: germline.

GeneDx
Classification: Benign. Last evaluated: 2018-09-21. Review status: criteria provided, single submitter. Criteria: GeneDx Variant Classification Process June 2021. Collection method: clinical testing. Allele origin: germline. Affected: yes.

Laboratory for Molecular Medicine, Mass General Brigham Personalized Medicine
Classification: Benign. Last evaluated: 2017-08-23. Review status: criteria provided, single submitter. Criteria: LMM Criteria. Collection method: clinical testing. Allele origin: germline. Observed: 1 variant allele.
Comment: p.Ile274Ile in exon 9 of CDC14A: This variant is not expected to have clinical significance because it does not alter an amino acid residue, is not located within the splice consensus sequence, and has been identified in 0.56% (58/10308) of African chromosomes by the Exome Aggregation Consortium (ExAC; dbSNP rs74667145).

PreventionGenetics, part of Exact Sciences
Classification: Likely benign for CDC14A-related condition. Last evaluated: 2019-08-08. Review status: no assertion criteria provided. Collection method: clinical testing. Allele origin: germline. Not counted in ClinVar's aggregate classification.
Comment: This variant is classified as likely benign based on ACMG/AMP sequence variant interpretation guidelines (Richards et al. 2015 PMID: 25741868, with internal and published modifications).